The following is an entry in ClinVar:

ClinVar aggregate classification (germline): Uncertain significance. Review status: criteria provided, multiple submitters, no conflicts (2 of 4 stars). 3 submissions from 3 submitters: Uncertain significance (3). Last evaluated 2025-06-29.

Conditions:
Fanconi anemia (FA). Also called: Fanconi's anemia. Identifiers: Orphanet 84, MedGen C0015625, MeSH D005199, MONDO:0019391.
Inborn genetic diseases. Identifiers: MedGen C0950123, MeSH D030342.

Submissions (3):

Labcorp Genetics (formerly Invitae), Labcorp
Classification: Uncertain significance for Fanconi anemia. Last evaluated: 2025-06-29. Review status: criteria provided, single submitter. Criteria: Invitae Variant Classification Sherloc (09022015). Collection method: clinical testing. Allele origin: germline.
Comment: This sequence change replaces isoleucine, which is neutral and non-polar, with threonine, which is neutral and polar, at codon 889 of the FANCM protein (p.Ile889Thr). This variant is not present in population databases (gnomAD no frequency). This variant has not been reported in the literature in individuals affected with FANCM-related conditions. ClinVar contains an entry for this variant (Variation ID: 3512926). An algorithm developed to predict the effect of missense changes on protein structure and function outputs the following: PolyPhen-2: "Benign". The threonine amino acid residue is found in multiple mammalian species, which suggests that this missense change does not adversely affect protein function. In summary, the available evidence is currently insufficient to determine the role of this variant in disease. Therefore, it has been classified as a Variant of Uncertain Significance.

Quest Diagnostics Nichols Institute San Juan Capistrano
Classification: Uncertain significance. Last evaluated: 2025-03-04. Review status: criteria provided, single submitter. Criteria: Quest Diagnostics criteria. Collection method: clinical testing. Allele origin: unknown.
Comment: The FANCM c.2666T>C (p.Ile889Thr) variant has not been reported in individuals with FANCM-related conditions in the published literature. It also has not been reported in large, multi-ethnic general populations (Genome Aggregation Database). Analysis of this variant using bioinformatics tools for the prediction of the effect of amino acid changes on protein structure and function yielded predictions that this variant is benign. Based on the available information, we are unable to determine the clinical significance of this variant.

Ambry Genetics
Classification: Uncertain significance for Inborn genetic diseases. Last evaluated: 2024-11-25. Review status: criteria provided, single submitter. Criteria: Ambry Variant Classification Scheme 2023. Collection method: clinical testing. Allele origin: germline.
Comment: The p.I889T variant (also known as c.2666T>C), located in coding exon 14 of the FANCM gene, results from a T to C substitution at nucleotide position 2666. The isoleucine at codon 889 is replaced by threonine, an amino acid with similar properties. This amino acid position is conserved. In addition, this alteration is predicted to be tolerated by in silico analysis. Based on the available evidence, the clinical significance of this variant remains unclear.

NM_020937.4(FANCM):c.2666T>C (p.Ile889Thr)

Gene: FANCM (FA complementation group M; plus strand). Cytogenetic location: 14q21.2.
Variant type: single nucleotide variant.
Coding change: c.2666T>C on transcript NM_020937.4 (MANE Select); coding-DNA position 2666, T replaced by C.
Protein change: p.Ile889Thr; replaces isoleucine 889 with threonine.
Molecular consequence: missense variant.
Genome position (GRCh38, 1-based): chr14:45,175,420, T>C. VCF-style: chr14-45175420-T-C. GRCh37 (hg19) VCF-style: chr14-45644623-T-C.
Other names: c.2666T>C (NM_020937.3); c.2588T>C, p.Ile863Thr (NM_001308133.2); short protein forms I889T, I863T.
Identifiers: ClinVar variation 3512926 (VCV003512926.3).